The following is an entry in ClinVar:

NM_017612.5(ZCCHC8):c.1699G>T (p.Val567Phe)

Gene: ZCCHC8 (zinc finger CCHC-type containing 8; minus strand). Cytogenetic location: 12q24.31.
Variant type: single nucleotide variant.
Coding change: c.1699G>T on transcript NM_017612.5 (MANE Select); coding-DNA position 1699, G replaced by T.
Protein change: p.Val567Phe; replaces valine 567 with phenylalanine.
Molecular consequence: missense variant.
Genome position (GRCh38, 1-based): chr12:122,473,922, C>A on the plus strand (G>T on the coding strand, the complement: ZCCHC8 is on the minus strand). VCF-style: chr12-122473922-C-A. GRCh37 (hg19) VCF-style: chr12-122958469-C-A.
Other names: c.1468G>T, p.Val490Phe (NM_001350935.2); c.1402G>T, p.Val468Phe (NM_001350936.2); c.985G>T, p.Val329Phe (NM_001350937.2, NM_001350938.2); short protein forms V329F, V468F, V490F, V567F.
Identifiers: ClinVar variation 3622010 (VCV003622010.2).

ClinVar aggregate classification (germline): Uncertain significance (1 of 4 stars; one submission).

gnomAD v4.1: 4 of 1,613,694 alleles (0.00025%); highest among the groups gnomAD compares: East Asian, 0.0089%; no homozygotes.

Submission:

Labcorp Genetics (formerly Invitae), Labcorp
Classification: Uncertain significance. Last evaluated: 2024-07-11. Review status: criteria provided, single submitter. Criteria: Invitae Variant Classification Sherloc (09022015). Collection method: clinical testing. Allele origin: germline.
Comment: This sequence change replaces valine, which is neutral and non-polar, with phenylalanine, which is neutral and non-polar, at codon 567 of the ZCCHC8 protein (p.Val567Phe). This variant is present in population databases (rs759746873, gnomAD 0.02%). This variant has not been reported in the literature in individuals affected with ZCCHC8-related conditions. Advanced modeling of protein sequence and biophysical properties (such as structural, functional, and spatial information, amino acid conservation, physicochemical variation, residue mobility, and thermodynamic stability) performed at Invitae indicates that this missense variant is not expected to disrupt ZCCHC8 protein function with a negative predictive value of 80%. In summary, the available evidence is currently insufficient to determine the role of this variant in disease. Therefore, it has been classified as a Variant of Uncertain Significance.